The following is an entry in ClinVar:

ClinVar aggregate classification (germline): Uncertain significance (1 of 4 stars; one submission).

Allele frequency attached by ClinVar (database versions not stated): gnomAD 0.00001; TOPMed below 0.00001; gnomAD exomes below 0.00001.
gnomAD v4.1: 2 of 1,613,992 alleles (0.00012%); highest among the groups gnomAD compares: Non-Finnish European, 0.00017%; no homozygotes.

Submission:

Labcorp Genetics (formerly Invitae), Labcorp
Classification: Uncertain significance. Last evaluated: 2020-12-02. Review status: criteria provided, single submitter. Criteria: Invitae Variant Classification Sherloc (09022015). Collection method: clinical testing. Allele origin: germline.
Comment: In summary, the available evidence is currently insufficient to determine the role of this variant in disease. Therefore, it has been classified as a Variant of Uncertain Significance. Algorithms developed to predict the effect of missense changes on protein structure and function (SIFT, PolyPhen-2, Align-GVGD) all suggest that this variant is likely to be tolerated, but these predictions have not been confirmed by published functional studies and their clinical significance is uncertain. This variant has not been reported in the literature in individuals with ARSG-related conditions. This variant is not present in population databases (ExAC no frequency). This sequence change replaces glycine with aspartic acid at codon 472 of the ARSG protein (p.Gly472Asp). The glycine residue is weakly conserved and there is a moderate physicochemical difference between glycine and aspartic acid.

NM_001267727.2(ARSG):c.1415G>A (p.Gly472Asp)

Genes: ARSG (arylsulfatase G; plus strand), PRKAR1A (protein kinase cAMP-dependent type I regulatory subunit alpha; plus strand). Cytogenetic location: 17q24.2.
Variant type: single nucleotide variant.
Coding change: c.1415G>A on transcript NM_001267727.2 (MANE Select); coding-DNA position 1415, G replaced by A.
Protein change: p.Gly472Asp; replaces glycine 472 with aspartic acid.
Molecular consequence: missense variant. On other transcripts: intron variant (3).
Genome position (GRCh38, 1-based): chr17:68,420,300, G>A. VCF-style: chr17-68420300-G-A. GRCh37 (hg19) VCF-style: chr17-66416441-G-A.
Other names: c.1412G>A, p.Gly471Asp (NM_001352906.2, NM_001352907.2, NM_001352903.2 and 2 more transcripts); c.1415G>A, p.Gly472Asp (NM_014960.5, NM_001352900.2, NM_001352901.2 and 2 more transcripts); c.1303+18850G>A (NM_001352910.2); c.1255+18850G>A (NM_001352909.2); c.-7+6505G>A (NM_001278433.2); short protein forms G472D, G471D.
Identifiers: ClinVar variation 1394410 (VCV001394410.7), dbSNP rs1388905008, ClinGen allele CA400749063.